The following is an entry in ClinVar:

ClinVar aggregate classification (germline): Uncertain significance (1 of 4 stars; one submission).

Allele frequency attached by ClinVar (database versions not stated): gnomAD exomes below 0.00001 and 0.00001; ExAC 0.00001; gnomAD 0.00001; TOPMed 0.00001.
gnomAD v4.1: 3 of 1,613,894 alleles (0.00019%); highest among the groups gnomAD compares: East Asian, 0.0045%; no homozygotes.

Submission:

Labcorp Genetics (formerly Invitae), Labcorp
Classification: Uncertain significance. Last evaluated: 2023-12-28. Review status: criteria provided, single submitter. Criteria: Invitae Variant Classification Sherloc (09022015). Collection method: clinical testing. Allele origin: germline.
Comment: This sequence change replaces glutamic acid, which is acidic and polar, with glycine, which is neutral and non-polar, at codon 327 of the CLUAP1 protein (p.Glu327Gly). This variant is present in population databases (rs764694512, gnomAD 0.01%). This variant has not been reported in the literature in individuals affected with CLUAP1-related conditions. ClinVar contains an entry for this variant (Variation ID: 972423). Advanced modeling of protein sequence and biophysical properties (such as structural, functional, and spatial information, amino acid conservation, physicochemical variation, residue mobility, and thermodynamic stability) performed at Invitae indicates that this missense variant is not expected to disrupt CLUAP1 protein function with a negative predictive value of 80%. In summary, the available evidence is currently insufficient to determine the role of this variant in disease. Therefore, it has been classified as a Variant of Uncertain Significance.

NM_015041.3(CLUAP1):c.980A>G (p.Glu327Gly)

Gene: CLUAP1 (clusterin associated protein 1; plus strand). Cytogenetic location: 16p13.3.
Variant type: single nucleotide variant.
Coding change: c.980A>G on transcript NM_015041.3 (MANE Select); coding-DNA position 980, A replaced by G.
Protein change: p.Glu327Gly; replaces glutamic acid 327 with glycine.
Molecular consequence: missense variant.
Genome position (GRCh38, 1-based): chr16:3,530,619, A>G. VCF-style: chr16-3530619-A-G. GRCh37 (hg19) VCF-style: chr16-3580619-A-G.
Other names: c.980A>G, p.Glu327Gly (NM_001330454.2); c.482A>G, p.Glu161Gly (NM_024793.3); short protein forms E327G, E161G.
Identifiers: ClinVar variation 972423 (VCV000972423.9), dbSNP rs764694512, ClinGen allele CA7863929.